The following is an entry in ClinVar:

ClinVar aggregate classification (germline): Conflicting classifications of pathogenicity. Review status: criteria provided, conflicting classifications (1 of 4 stars). 2 submissions from 2 submitters: Uncertain significance (1); Likely benign (1). Last evaluated 2023-03-23.

Conditions:
Hereditary cancer-predisposing syndrome. Also called: Neoplastic Syndromes, Hereditary; Tumor predisposition; Hereditary Cancer Syndrome; Hereditary neoplastic syndrome. Identifiers: Orphanet 140162, MedGen C0027672, MeSH D009386, MONDO:0015356.

Submissions (2):

University of Washington Department of Laboratory Medicine, University of Washington
Classification: Likely benign for Hereditary cancer-predisposing syndrome. Last evaluated: 2023-03-23. Review status: criteria provided, single submitter. Criteria: Dines et al. (Genet Med. 2020). Collection method: curation. Allele origin: germline.
Comment: Missense variant in a coldspot region where missense variants are very unlikely to be pathogenic (PMID:31911673).

BRCA2 exon 11 coldspot. Reclassification based on statistical prior probability.

Ambry Genetics
Classification: Uncertain significance for Hereditary cancer-predisposing syndrome. Last evaluated: 2020-02-13. Review status: criteria provided, single submitter. Criteria: Ambry Variant Classification Scheme 2023. Collection method: clinical testing. Allele origin: germline.
Comment: The p.P2187H variant (also known as c.6560C>A), located in coding exon 10 of the BRCA2 gene, results from a C to A substitution at nucleotide position 6560. The proline at codon 2187 is replaced by histidine, an amino acid with similar properties. This amino acid position is not well conserved in available vertebrate species. In addition, the in silico prediction for this alteration is inconclusive. Since supporting evidence is limited at this time, the clinical significance of this alteration remains unclear.

NM_000059.4(BRCA2):c.6560C>A (p.Pro2187His)

Gene: BRCA2 (BRCA2 DNA repair associated; plus strand). Cytogenetic location: 13q13.1.
Variant type: single nucleotide variant.
Coding change: c.6560C>A on transcript NM_000059.4 (MANE Select); coding-DNA position 6560, C replaced by A.
Protein change: p.Pro2187His; replaces proline 2187 with histidine.
Molecular consequence: missense variant.
Genome position (GRCh38, 1-based): chr13:32,340,915, C>A. VCF-style: chr13-32340915-C-A. GRCh37 (hg19) VCF-style: chr13-32915052-C-A.
Other names: c.6560C>A, p.Pro2187His (NM_001406719.1, NM_001406720.1); short protein forms P2187H.
Identifiers: ClinVar variation 1754205 (VCV001754205.4), dbSNP rs56019712, ClinGen allele CA387789830.
Genomic context (GRCh38, chr13:32,340,915, plus strand): 5'-TAGGAACCAAAGTGTCACTTGTTGAGAACATTCATGTTTTGGGAAAAGAACAGGCTTCAC[C>A]TAAAAACGTAAAAATGGAAATTGGTAAAACTGAAACTTTTTCTGATGTTCCTGTGAAAAC-3'
Protein context (NP_000050.3, residues 2177-2197): IHVLGKEQAS[Pro2187His]KNVKMEIGKT